The following is an entry in ClinVar:

ClinVar aggregate classification (germline): Conflicting classifications of pathogenicity. Review status: criteria provided, conflicting classifications (1 of 4 stars). 9 submissions from 8 submitters: Uncertain significance (5); Likely benign (2). 2 of the submissions do not count toward it. Last evaluated 2026-10-01.

Conditions:
Pheochromocytoma. Also called: MAX-Related Hereditary Paraganglioma-Pheochromocytoma Syndrome. Identifiers: Orphanet 29072, MedGen C0031511, MONDO:0008233, OMIM 171300, HP:0002666.
Hirschsprung disease, susceptibility to, 1 (HSCR1). Also called: RET-Related Hirschsprung Disease. Identifiers: Orphanet 388, MedGen C3888239, MONDO:0007723, OMIM 142623.
Familial medullary thyroid carcinoma (MTC). Also called: Thyroid cancer, familial medullary; MTC, familial; Familial Medullary Thyroid Carcinoma (FMTC). Identifiers: Orphanet 653, Orphanet 99361, MedGen C1833921, MONDO:0007958, OMIM 155240.
Multiple endocrine neoplasia type 2B. Also called: MEN IIB; NEUROMATA, MUCOSAL, WITH ENDOCRINE TUMORS; WAGENMANN-FROBOESE SYNDROME; MULTIPLE ENDOCRINE NEOPLASIA, TYPE III; MULTIPLE ENDOCRINE NEOPLASIA, TYPE IIB; MEN 2B. Identifiers: Orphanet 247709, Orphanet 653, MedGen C0025269, MeSH D018814, MONDO:0008082, OMIM 162300.
Multiple endocrine neoplasia type 2A. Also called: Multiple Endocrine Neoplasia Type 2A (MEN2A); MULTIPLE ENDOCRINE NEOPLASIA, TYPE IIA; PTC SYNDROME; SIPPLE SYNDROME; MEN 2A; MEN-2A syndrome. Identifiers: Orphanet 247698, Orphanet 653, MedGen C0025268, MeSH D018813, MONDO:0008234, OMIM 171400.
Hereditary cancer-predisposing syndrome. Also called: Tumor predisposition; Hereditary neoplastic syndrome; Hereditary Cancer Syndrome; Neoplastic Syndromes, Hereditary. Identifiers: Orphanet 140162, MedGen C0027672, MeSH D009386, MONDO:0015356.
Multiple endocrine neoplasia, type 2 (MEN2). Identifiers: Orphanet 653, MedGen C4048306, MONDO:0019003. Disease mechanism: gain of function.

Allele frequency attached by ClinVar (database versions not stated): TOPMed 0.00001; gnomAD 0.00003 and 0.00002; gnomAD exomes 0.00001.

Submissions (9):

St. Jude Molecular Pathology, St. Jude Children's Research Hospital
Classification: Uncertain significance for Multiple endocrine neoplasia type 2A. Last evaluated: 2026-10-01. Review status: criteria provided, single submitter. Criteria: St. Jude Assertion Criteria 2020. Collection method: clinical testing. Allele origin: germline.
Comment: The RET c.335G>A p.(Arg112His) missense change has a maximum subpopulation frequency of 0.004% in gnomAD v2.1.1. The i n silico tool REVEL predicts a benign effect on protein function, but to our knowledge this prediction has not been confirmed by functional studies. To our knowledge, this variant has not been reported in the literature in individuals with multiple endoc rine neoplasia type II. In summary, the evidence currently available is insufficient to determine the clinical significance of this variant. It has therefore been classified as of uncertain significance.

Labcorp Genetics (formerly Invitae), Labcorp
Classification: Uncertain significance for Multiple endocrine neoplasia, type 2. Last evaluated: 2025-11-09. Review status: criteria provided, single submitter. Criteria: Invitae Variant Classification Sherloc (09022015). Collection method: clinical testing. Allele origin: germline.
Comment: This sequence change replaces arginine, which is basic and polar, with histidine, which is basic and polar, at codon 112 of the RET protein (p.Arg112His). The frequency data for this variant in the population databases is considered unreliable, as metrics indicate poor data quality at this position in the gnomAD database. This variant has not been reported in the literature in individuals affected with RET-related conditions. ClinVar contains an entry for this variant (Variation ID: 136120). An algorithm developed to predict the effect of missense changes on protein structure and function (PolyPhen-2) suggests that this variant is likely to be disruptive. In summary, the available evidence is currently insufficient to determine the role of this variant in disease. Therefore, it has been classified as a Variant of Uncertain Significance.

Color Diagnostics, LLC DBA Color Health
Classification: Uncertain significance for Multiple endocrine neoplasia, type 2. Last evaluated: 2025-06-18. Review status: criteria provided, single submitter. Criteria: ACMG Guidelines, 2015. Collection method: clinical testing. Allele origin: germline.
Comment: This missense variant replaces arginine with histidine at codon 112 of the RET protein. Computational prediction suggests that this variant may not impact protein structure and function. To our knowledge, functional studies have not been reported for this variant. This variant has not been reported in individuals affected with RET-related disorders in the literature. This variant has been identified in 1/31366 chromosomes in the general population by the Genome Aggregation Database (gnomAD). The available evidence is insufficient to determine the role of this variant in disease conclusively. Therefore, this variant is classified as a Variant of Uncertain Significance.

CeGaT Center for Human Genetics Tuebingen
Classification: Likely benign. Last evaluated: 2024-10-01. Review status: criteria provided, single submitter. Criteria: CeGaT Center For Human Genetics Tuebingen Variant Classification Criteria Version 2. Collection method: clinical testing. Allele origin: germline. Affected: yes. Observed: 2 variant alleles.
Comment: RET: BP4

Fulgent Genetics
Classification: Uncertain significance for Hirschsprung disease, susceptibility to, 1; Familial medullary thyroid carcinoma; Multiple endocrine neoplasia type 2B; Pheochromocytoma; Multiple endocrine neoplasia type 2A. Last evaluated: 2024-02-14. Review status: criteria provided, single submitter. Criteria: ACMG Guidelines, 2015. Collection method: clinical testing. Allele origin: germline.

Ambry Genetics
Classification: Likely benign for Hereditary cancer-predisposing syndrome. Last evaluated: 2023-05-26. Review status: criteria provided, single submitter. Criteria: Ambry Variant Classification Scheme 2023. Collection method: clinical testing. Allele origin: germline.

GeneDx
Classification: Uncertain significance. Last evaluated: 2022-10-13. Review status: criteria provided, single submitter. Criteria: GeneDx Variant Classification Process June 2021. Collection method: clinical testing. Allele origin: germline. Affected: yes.
Comment: Not observed at significant frequency in large population cohorts (gnomAD); In silico analysis supports that this missense variant does not alter protein structure/function; Has not been previously published as pathogenic or benign to our knowledge

Counsyl
Classification: Uncertain significance for Multiple endocrine neoplasia type 2B. Last evaluated: 2015-12-04. Review status: no assertion criteria provided. Collection method: clinical testing. Allele origin: unknown. Not counted in ClinVar's aggregate classification.

Counsyl
Classification: Uncertain significance for Multiple endocrine neoplasia type 2A. Last evaluated: 2015-12-04. Review status: no assertion criteria provided. Collection method: clinical testing. Allele origin: unknown. Not counted in ClinVar's aggregate classification.

NM_020975.6(RET):c.335G>A (p.Arg112His)

Gene: RET (ret proto-oncogene; plus strand). Cytogenetic location: 10q11.21.
Variant type: single nucleotide variant.
Coding change: c.335G>A on transcript NM_020975.6 (MANE Select); coding-DNA position 335, G replaced by A.
Protein change: p.Arg112His; replaces arginine 112 with histidine.
Molecular consequence: missense variant.
Genome position (GRCh38, 1-based): chr10:43,100,720, G>A. VCF-style: chr10-43100720-G-A. GRCh37 (hg19) VCF-style: chr10-43596168-G-A.
Other names: c.335G>A, p.Arg112His (NM_001406777.1, NM_001406778.1, NM_001406779.1 and 34 more transcripts); c.335G>A (NM_020630.5); short protein forms R112H.
Identifiers: ClinVar variation 136120 (VCV000136120.56), dbSNP rs587780814, ClinGen allele CA009221.